The following is an entry in ClinVar:

NM_001242896.3(DEPDC5):c.4297G>A (p.Asp1433Asn)

Gene: DEPDC5 (DEP domain containing 5, GATOR1 subcomplex subunit; plus strand). Cytogenetic location: 22q12.3.
Variant type: single nucleotide variant.
Coding change: c.4297G>A on transcript NM_001242896.3 (MANE Select); coding-DNA position 4297, G replaced by A.
Protein change: p.Asp1433Asn; replaces aspartic acid 1433 with asparagine.
Molecular consequence: missense variant. On other transcripts: non-coding transcript variant (5).
Genome position (GRCh38, 1-based): chr22:31,897,575, G>A. VCF-style: chr22-31897575-G-A. GRCh37 (hg19) VCF-style: chr22-32293561-G-A.
Other names: c.4270G>A, p.Asp1424Asn (NM_001136029.4); c.3997G>A, p.Asp1333Asn (NM_001242897.2); c.4231G>A, p.Asp1411Asn (NM_001363852.2, NM_001364320.2); c.4063G>A, p.Asp1355Asn (NM_001363854.2, NM_001364319.2); c.4297G>A, p.Asp1433Asn (NM_001364318.2); c.4213G>A, p.Asp1405Asn (NM_001369901.1, NM_001369902.1); c.4204G>A, p.Asp1402Asn (NM_001369903.1, NM_014662.6); c.4297G>A (NM_001242896.1); short protein forms D1333N, D1355N, D1402N, D1405N, D1411N, D1424N, D1433N.
Identifiers: ClinVar variation 1002675 (VCV001002675.11), dbSNP rs766385762, ClinGen allele CA10197208.

ClinVar aggregate classification (germline): Uncertain significance. Review status: criteria provided, multiple submitters, no conflicts (2 of 4 stars). 4 submissions from 4 submitters: Uncertain significance (4). Last evaluated 2024-09-20.

Conditions:
Familial focal epilepsy with variable foci (FPEVF). Identifiers: Orphanet 98820, MedGen C1858477, MONDO:0020310.
Inborn genetic diseases. Identifiers: MedGen C0950123, MeSH D030342.

Allele frequency attached by ClinVar (database versions not stated): gnomAD exomes below 0.00001; ExAC 0.00001.
gnomAD v4.1: 4 of 1,614,108 alleles (0.00025%); highest among the groups gnomAD compares: Non-Finnish European, 0.00025%; no homozygotes.

Submissions (4):

GeneDx
Classification: Uncertain significance. Last evaluated: 2024-09-20. Review status: criteria provided, single submitter. Criteria: GeneDx Variant Classification Process June 2021. Collection method: clinical testing. Allele origin: germline. Affected: yes.
Comment: Not observed at significant frequency in large population cohorts (gnomAD); In silico analysis supports that this missense variant has a deleterious effect on protein structure/function; Has not been previously published as pathogenic or benign to our knowledge

Labcorp Genetics (formerly Invitae), Labcorp
Classification: Uncertain significance for Familial focal epilepsy with variable foci. Last evaluated: 2023-12-07. Review status: criteria provided, single submitter. Criteria: Invitae Variant Classification Sherloc (09022015). Collection method: clinical testing. Allele origin: germline.
Comment: This sequence change replaces aspartic acid, which is acidic and polar, with asparagine, which is neutral and polar, at codon 1433 of the DEPDC5 protein (p.Asp1433Asn). This variant is present in population databases (rs766385762, gnomAD 0.003%). This variant has not been reported in the literature in individuals affected with DEPDC5-related conditions. ClinVar contains an entry for this variant (Variation ID: 1002675). Experimental studies and prediction algorithms are not available or were not evaluated, and the functional significance of this variant is currently unknown. In summary, the available evidence is currently insufficient to determine the role of this variant in disease. Therefore, it has been classified as a Variant of Uncertain Significance.

Ambry Genetics
Classification: Uncertain significance for Inborn genetic diseases. Last evaluated: 2022-05-13. Review status: criteria provided, single submitter. Criteria: Ambry Variant Classification Scheme 2023. Collection method: clinical testing. Allele origin: germline.

Greenwood Genetic Center Diagnostic Laboratories, Greenwood Genetic Center
Classification: Uncertain significance. Last evaluated: 2022-03-22. Review status: criteria provided, single submitter. Criteria: ACMG Guidelines, 2015. Collection method: clinical testing. Allele origin: germline. Affected: yes.
Comment: PM2, PP3